The following is an entry in ClinVar:

ClinVar aggregate classification (germline): Uncertain significance (1 of 4 stars; one submission).

Conditions:
Dilated cardiomyopathy 1KK (CMD1KK). Identifiers: Orphanet 154, Orphanet 75249, MedGen C3714995, MONDO:0014100, OMIM 615248.

Allele frequency attached by ClinVar (database versions not stated): gnomAD exomes below 0.00001; ExAC 0.00001; gnomAD 0.00001.
gnomAD v4.1: 2 of 1,613,964 alleles (0.00012%); highest among the groups gnomAD compares: East Asian, 0.0022%; no homozygotes.

Submission:

Labcorp Genetics (formerly Invitae), Labcorp
Classification: Uncertain significance for Dilated cardiomyopathy 1KK. Last evaluated: 2024-10-17. Review status: criteria provided, single submitter. Criteria: Invitae Variant Classification Sherloc (09022015). Collection method: clinical testing. Allele origin: germline.
Comment: This sequence change replaces proline, which is neutral and non-polar, with threonine, which is neutral and polar, at codon 809 of the MYPN protein (p.Pro809Thr). This variant is present in population databases (rs763632315, gnomAD 0.01%). This variant has not been reported in the literature in individuals affected with MYPN-related conditions. ClinVar contains an entry for this variant (Variation ID: 1380140). An algorithm developed to predict the effect of missense changes on protein structure and function (PolyPhen-2) suggests that this variant is likely to be disruptive. In summary, the available evidence is currently insufficient to determine the role of this variant in disease. Therefore, it has been classified as a Variant of Uncertain Significance.

NM_032578.4(MYPN):c.2425C>A (p.Pro809Thr)

Gene: MYPN (myopalladin; plus strand). Cytogenetic location: 10q21.3.
Variant type: single nucleotide variant.
Coding change: c.2425C>A on transcript NM_032578.4 (MANE Select); coding-DNA position 2425, C replaced by A.
Protein change: p.Pro809Thr; replaces proline 809 with threonine.
Molecular consequence: missense variant. On other transcripts: non-coding transcript variant (2).
Genome position (GRCh38, 1-based): chr10:68,174,517, C>A. VCF-style: chr10-68174517-C-A. GRCh37 (hg19) VCF-style: chr10-69934274-C-A.
Other names: c.2425C>A, p.Pro809Thr (NM_001256267.2); c.1543C>A, p.Pro515Thr (NM_001256268.2); short protein forms P515T, P809T.
Identifiers: ClinVar variation 1380140 (VCV001380140.6), dbSNP rs763632315, ClinGen allele CA5522786.
Genomic context (GRCh38, chr10:68,174,517, plus strand): 5'-CCAACAGAACCAACACCACCACCATTCACATTTTCCATCCCCAGCGGAAACCAGTTTCAG[C>A]CCCGCTGTGTGTCCCCAATTCCTGTCTCTCCTACCAGCCGGATTCAGAACCCAGTGGCTT-3'
Protein context (NP_115967.2, residues 799-819): FSIPSGNQFQ[Pro809Thr]RCVSPIPVSP